The following is an entry in ClinVar:

ClinVar aggregate classification (germline): Pathogenic. Review status: no assertion criteria provided (0 of 4 stars). 2 submissions from 2 submitters: Pathogenic (2). Last evaluated 2002-02-01.

Conditions:
Ornithine carbamoyltransferase deficiency (OTCD). Also called: ORNITHINE TRANSCARBAMYLASE DEFICIENCY, HYPERAMMONEMIA DUE TO; OTC DEFICIENCY; ORNITHINE TRANSCARBAMYLASE DEFICIENCY; Ornithine Carbamoyltransferase Deficiency Disease. Identifiers: Orphanet 664, MedGen C0268542, MONDO:0010703, OMIM 311250.

Submissions (2):

OMIM
Classification: Pathogenic for ORNITHINE TRANSCARBAMYLASE DEFICIENCY. Last evaluated: 2002-02-01. Review status: no assertion criteria provided. Collection method: literature only. Allele origin: germline.

GenMed Metabolism Lab
Classification: Pathogenic. Review status: no assertion criteria provided. Collection method: not provided. Allele origin: unknown.
ClinVar note: Converted during submission from pathogenic to Pathogenic.

Literature cited by the submitters: PubMed 11793468 (cited by OMIM).

NM_000531.6(OTC):c.1033T>G (p.Tyr345Asp)

Gene: OTC (ornithine transcarbamylase; plus strand). Cytogenetic location: Xp11.4.
Variant type: single nucleotide variant.
Coding change: c.1033T>G on transcript NM_000531.6 (MANE Select); coding-DNA position 1033, T replaced by G.
Protein change: p.Tyr345Asp; replaces tyrosine 345 with aspartic acid.
Molecular consequence: missense variant.
Genome position (GRCh38, 1-based): chrX:38,421,050, T>G. VCF-style: chrX-38421050-T-G. GRCh37 (hg19) VCF-style: chrX-38280303-T-G.
Other names: Y313D; short protein forms Y345D.
Identifiers: ClinVar variation 11009 (VCV000011009.2), dbSNP rs66469337, ClinGen allele CA224444.